The following is an entry in ClinVar:

ClinVar aggregate classification (germline): Pathogenic. Review status: criteria provided, multiple submitters, no conflicts (2 of 4 stars). 2 submissions from 2 submitters: Pathogenic (2). Last evaluated 2023-07-17.

Conditions:
Developmental and epileptic encephalopathy 94 (DEE94). Also called: CHD2-Related Neurodevelopmental Disorders; Epileptic encephalopathy, childhood-onset. Identifiers: Orphanet 1942, Orphanet 2382, MedGen C3809278, MONDO:0014150, OMIM 615369.

Submissions (2):

Victorian Clinical Genetics Services, Murdoch Childrens Research Institute
Classification: Pathogenic for Developmental and epileptic encephalopathy 94. Last evaluated: 2023-07-17. Review status: criteria provided, single submitter. Criteria: ACMG Guidelines, 2015. Collection method: clinical testing. Allele origin: germline. Inheritance: Autosomal dominant inheritance. Affected: yes.
Comment: Based on the classification scheme VCGS_Germline_v1.3.4, this variant is classified as Pathogenic. Following criteria are met: 0102 - Loss of function is a known mechanism of disease in this gene and is associated with developmental and epileptic encephalopathy 94 (MIM#615369). (I) 0107 - This gene is associated with autosomal dominant disease. (I) 0201 - Variant is predicted to cause nonsense-mediated decay (NMD) and loss of protein (premature termination codon is located at least 54 nucleotides upstream of the final exon-exon junction). (SP) 0251 - This variant is heterozygous. (I) 0301 - Variant is absent from gnomAD (both v2 and v3). (SP) 0701 - Other NMD predicted variants comparable to the one identified in this case have very strong previous evidence for pathogenicity (DECIPHER). (SP) 0807 - This variant has no previous evidence of pathogenicity. (I) 0905 - No published segregation evidence has been identified for this variant. (I) 1007 - No published functional evidence has been identified for this variant. (I) 1208 - Inheritance information for this variant is not currently available in this individual. (I) Legend: (SP) - Supporting pathogenic, (I) - Information, (SB) - Supporting benign

Labcorp Genetics (formerly Invitae), Labcorp
Classification: Pathogenic for Developmental and epileptic encephalopathy 94. Last evaluated: 2023-04-06. Review status: criteria provided, single submitter. Criteria: Invitae Variant Classification Sherloc (09022015). Collection method: clinical testing. Allele origin: germline.
Comment: For these reasons, this variant has been classified as Pathogenic. This variant has not been reported in the literature in individuals affected with CHD2-related conditions. This variant is not present in population databases (gnomAD no frequency). This sequence change creates a premature translational stop signal (p.Pro399Glnfs*63) in the CHD2 gene. It is expected to result in an absent or disrupted protein product. Loss-of-function variants in CHD2 are known to be pathogenic (PMID: 23708187, 24207121).

Literature cited by the submitters: PubMed 23708187 (cited by Labcorp Genetics (formerly Invitae), Labcorp); PubMed 24207121 (cited by Labcorp Genetics (formerly Invitae), Labcorp).

NM_001271.4(CHD2):c.1196del (p.Pro399fs)

Gene: CHD2 (chromodomain helicase DNA binding protein 2; plus strand). Cytogenetic location: 15q26.1.
Variant type: Deletion.
Coding change: c.1196del on transcript NM_001271.4 (MANE Select); coding-DNA position 1196, one base deleted (C; older notation c.1196delC).
Protein change: p.Pro399fs; shifts the reading frame from proline 399.
Molecular consequence: frameshift variant.
Genome position (GRCh38, 1-based): chr15:92,945,863, C deleted; the last of 2 consecutive C bases (chr15:92,945,862-92,945,863); deleting either gives the same sequence. VCF-style (leftmost placement, unchanged base first): chr15-92945861-TC-T. GRCh37 (hg19) VCF-style: chr15-93489091-TC-T.
Other names: c.1196delC (NM_001271.3); c.1196del, p.Pro399fs (NM_001042572.3); short protein forms P399fs.
Identifiers: ClinVar variation 2852965 (VCV002852965.4), dbSNP rs2505457585, ClinGen allele CA2575845535.